The following is an entry in ClinVar:

NM_001127898.4(CLCN5):c.1958T>C (p.Met653Thr)

Genes: CLCN5 (chloride voltage-gated channel 5; plus strand), LOC126863258 (BRD4-independent group 4 enhancer GRCh37_chrX:49854497-49855696; plus strand). Cytogenetic location: Xp11.23.
Variant type: single nucleotide variant.
Coding change: c.1958T>C on transcript NM_001127898.4 (MANE Select); coding-DNA position 1958, T replaced by C.
Protein change: p.Met653Thr; replaces methionine 653 with threonine.
Molecular consequence: missense variant.
Genome position (GRCh38, 1-based): chrX:50,090,329, T>C. VCF-style: chrX-50090329-T-C. GRCh37 (hg19) VCF-style: chrX-49854986-T-C.
Other names: c.1748T>C, p.Met583Thr (NM_000084.5); c.1958T>C, p.Met653Thr (NM_001127899.4); c.1808T>C, p.Met603Thr (NM_001282163.2); short protein forms M603T, M653T, M583T.
Identifiers: ClinVar variation 2711357 (VCV002711357.3), dbSNP rs2519445262, ClinGen allele CA413189615.

ClinVar aggregate classification (germline): Uncertain significance (1 of 4 stars; one submission).

Submission:

Labcorp Genetics (formerly Invitae), Labcorp
Classification: Uncertain significance. Last evaluated: 2024-06-03. Review status: criteria provided, single submitter. Criteria: Invitae Variant Classification Sherloc (09022015). Collection method: clinical testing. Allele origin: germline.
Comment: This sequence change replaces methionine, which is neutral and non-polar, with threonine, which is neutral and polar, at codon 583 of the CLCN5 protein (p.Met583Thr). This variant is not present in population databases (gnomAD no frequency). This variant has not been reported in the literature in individuals affected with CLCN5-related conditions. An algorithm developed to predict the effect of missense changes on protein structure and function (PolyPhen-2) suggests that this variant is likely to be tolerated. In summary, the available evidence is currently insufficient to determine the role of this variant in disease. Therefore, it has been classified as a Variant of Uncertain Significance.